The following is an entry in ClinVar:

ClinVar aggregate classification (germline): Uncertain significance. Review status: criteria provided, multiple submitters, no conflicts (2 of 4 stars). 2 submissions from 2 submitters: Uncertain significance (2). Last evaluated 2025-07-21.

Allele frequency attached by ClinVar (database versions not stated): TOPMed 0.00001; gnomAD exomes 0.00001.
gnomAD v4.1: 18 of 1,614,186 alleles (0.0011%); highest among the groups gnomAD compares: Non-Finnish European, 0.0014%; no homozygotes.

Submissions (2):

GeneDx
Classification: Uncertain significance. Last evaluated: 2025-07-21. Review status: criteria provided, single submitter. Criteria: GeneDx Variant Classification Process June 2021. Collection method: clinical testing. Allele origin: germline. Affected: yes.
Comment: Not observed at significant frequency in large population cohorts (gnomAD); In silico analysis supports that this missense variant has a deleterious effect on protein structure/function; Has not been previously published as pathogenic or benign to our knowledge

CeGaT Center for Human Genetics Tuebingen
Classification: Uncertain significance. Last evaluated: 2023-03-01. Review status: criteria provided, single submitter. Criteria: CeGaT Center For Human Genetics Tuebingen Variant Classification Criteria Version 2. Collection method: clinical testing. Allele origin: germline. Affected: yes. Observed: 2 variant alleles.
Comment: VPS16: PM2

NM_022575.4(VPS16):c.1952T>G (p.Leu651Arg)

Genes: PTPRA (protein tyrosine phosphatase receptor type A; plus strand), VPS16 (VPS16 core subunit of CORVET and HOPS complexes; plus strand). Cytogenetic location: 20p13.
Variant type: single nucleotide variant.
Coding change: c.1952T>G on transcript NM_022575.4 (MANE Select); coding-DNA position 1952, T replaced by G.
Protein change: p.Leu651Arg; replaces leucine 651 with arginine.
Molecular consequence: missense variant. On other transcripts: 5 prime UTR variant (1).
Genome position (GRCh38, 1-based): chr20:2,865,003, T>G. VCF-style: chr20-2865003-T-G. GRCh37 (hg19) VCF-style: chr20-2845649-T-G.
Other names: c.-351T>G (NM_002836.4); c.1520T>G, p.Leu507Arg (NM_080413.3); short protein forms L507R, L651R.
Identifiers: ClinVar variation 1675851 (VCV001675851.33), dbSNP rs1311539134, ClinGen allele CA408061950.